The following is an entry in ClinVar:

ClinVar aggregate classification (germline): Uncertain significance (1 of 4 stars; one submission).

Allele frequency attached by ClinVar (database versions not stated): gnomAD exomes below 0.00001.
gnomAD v4.1: 1 of 1,611,646 alleles (0.000062%); highest among the groups gnomAD compares: Admixed American, 0.0017%; no homozygotes.

Submission:

Labcorp Genetics (formerly Invitae), Labcorp
Classification: Uncertain significance. Last evaluated: 2021-12-24. Review status: criteria provided, single submitter. Criteria: Invitae Variant Classification Sherloc (09022015). Collection method: clinical testing. Allele origin: germline.
Comment: This sequence change replaces phenylalanine, which is neutral and non-polar, with serine, which is neutral and polar, at codon 424 of the NUP160 protein (p.Phe424Ser). This variant is present in population databases (no rsID available, gnomAD 0.003%). This variant has not been reported in the literature in individuals affected with NUP160-related conditions. Algorithms developed to predict the effect of missense changes on protein structure and function are either unavailable or do not agree on the potential impact of this missense change (SIFT: "Not Available"; PolyPhen-2: "Possibly Damaging"; Align-GVGD: "Not Available"). In summary, the available evidence is currently insufficient to determine the role of this variant in disease. Therefore, it has been classified as a Variant of Uncertain Significance.

NM_015231.3(NUP160):c.1169T>C (p.Phe390Ser)

Gene: NUP160 (nucleoporin 160; minus strand). Cytogenetic location: 11p11.2.
Variant type: single nucleotide variant.
Coding change: c.1169T>C on transcript NM_015231.3 (MANE Select); coding-DNA position 1169, T replaced by C.
Protein change: p.Phe390Ser; replaces phenylalanine 390 with serine.
Molecular consequence: missense variant. On other transcripts: non-coding transcript variant (1).
Genome position (GRCh38, 1-based): chr11:47,821,730, A>G on the plus strand (T>C on the coding strand, the complement: NUP160 is on the minus strand). VCF-style: chr11-47821730-A-G. GRCh37 (hg19) VCF-style: chr11-47843282-A-G.
Other names: short protein forms F390S.
Identifiers: ClinVar variation 1392574 (VCV001392574.6), dbSNP rs1486578987, ClinGen allele CA380388670.